The following is an entry in ClinVar:

NM_002016.2(FLG):c.10919C>G (p.Ser3640Ter)

Genes: CCDST (cervical cancer associated DHX9 suppressive transcript; plus strand), FLG (filaggrin; minus strand). Cytogenetic location: 1q21.3.
Variant type: single nucleotide variant.
Coding change: c.10919C>G on transcript NM_002016.2 (MANE Select); coding-DNA position 10919, C replaced by G.
Protein change: p.Ser3640Ter; replaces serine 3640 with a stop codon.
Molecular consequence: nonsense.
Genome position (GRCh38, 1-based): chr1:152,303,967, G>C on the plus strand (C>G on the coding strand, the complement: FLG is on the minus strand). VCF-style: chr1-152303967-G-C. GRCh37 (hg19) VCF-style: chr1-152276443-G-C.
Other names: short protein forms S3640*.
Identifiers: ClinVar variation 3377740 (VCV003377740.1).
Genomic context (GRCh38, chr1:152,303,967, plus strand): 5'-CTGGACCCTCGGTGTCCACTGTCTCTGACTGCAGATGAAGCTTGTCCGTGCCCAATGCCT[G>C]AGTGTCTGGAGCTGTCTGCTGACTGCTGGTGGTGGGATCCATGTCTCTCTCCTGCACTTG-3'

ClinVar aggregate classification (germline): Likely pathogenic (1 of 4 stars; one submission).

Conditions:
Ichthyosis vulgaris. Also called: Dominant ichthyosis vulgaris; ICHTHYOSIS SIMPLEX. Identifiers: MedGen C0079584, MONDO:0024304, OMIM 146700.

Submission:

Neuberg Centre For Genomic Medicine, NCGM
Classification: Likely pathogenic for Ichthyosis vulgaris. Review status: criteria provided, single submitter. Criteria: ACMG Guidelines, 2015. Collection method: clinical testing. Allele origin: germline. Inheritance: Autosomal recessive inheritance. Affected: yes.
Comment: The stop gained variant c.10919C>G(p.Ser3640Ter) in the FLG gene has not been reported previously as a pathogenic variant nor as a benign variant, to our knowledge. The variant has 0.01% allele frequency in gnomAD Exomes. This variant is predicted to cause loss of normal protein function through protein truncation. Loss of function variants have been previously reported to be disease-causing (Oji V, et al., 2009). For these reasons, this variant has been classified as Likely Pathogenic.